The following is an entry in ClinVar:

ClinVar aggregate classification (germline): Pathogenic. Review status: reviewed by expert panel (3 of 4 stars). 3 submissions from 3 submitters: Pathogenic (1). 2 of the submissions do not count toward it. Last evaluated 2017-12-15.

Conditions:
Hereditary cancer-predisposing syndrome. Also called: Hereditary Cancer Syndrome; Neoplastic Syndromes, Hereditary; Tumor predisposition; Hereditary neoplastic syndrome. Identifiers: Orphanet 140162, MedGen C0027672, MeSH D009386, MONDO:0015356.
Breast-ovarian cancer, familial, susceptibility to, 2 (BROVCA2). Also called: BRCA2 Hereditary Breast and Ovarian Cancer. Identifiers: Orphanet 145, MedGen C2675520, MONDO:0012933, OMIM 612555. Disease mechanism: loss of function.
Hereditary breast ovarian cancer syndrome. Also called: Hereditary breast and/or ovarian cancer syndrome; BRCA1- and BRCA2-Associated Hereditary Breast and Ovarian Cancer; Hereditary breast and ovarian cancer syndrome (HBOC); Hereditary breast and ovarian cancer; Hereditary breast and ovarian cancer syndrome; Breast and ovarian cancer. Identifiers: Orphanet 145, MedGen C0677776, MeSH D061325, MONDO:0003582. Disease mechanism: loss of function.

Submissions (3):

Evidence-based Network for the Interpretation of Germline Mutant Alleles (ENIGMA)
Classification: Pathogenic for Breast-ovarian cancer, familial, susceptibility to, 2. Last evaluated: 2017-12-15. Review status: reviewed by expert panel. Criteria: ENIGMA BRCA1/2 Classification Criteria (2017-06-29). Collection method: curation. Allele origin: germline. Study: ENIGMA.
Comment: Variant allele predicted to encode a truncated non-functional protein.

Labcorp Genetics (formerly Invitae), Labcorp
Classification: Pathogenic for Hereditary breast ovarian cancer syndrome. Last evaluated: 2024-06-25. Review status: criteria provided, single submitter. Criteria: Invitae Variant Classification Sherloc (09022015). Collection method: clinical testing. Allele origin: germline. Not counted in ClinVar's aggregate classification.
Comment: This sequence change creates a premature translational stop signal (p.Cys2535Valfs*16) in the BRCA2 gene. It is expected to result in an absent or disrupted protein product. Loss-of-function variants in BRCA2 are known to be pathogenic (PMID: 20104584). This variant is not present in population databases (gnomAD no frequency). This variant has not been reported in the literature in individuals affected with BRCA2-related conditions. ClinVar contains an entry for this variant (Variation ID: 230259). For these reasons, this variant has been classified as Pathogenic.

Ambry Genetics
Classification: Pathogenic for Hereditary cancer-predisposing syndrome. Last evaluated: 2024-02-19. Review status: criteria provided, single submitter. Criteria: Ambry Variant Classification Scheme 2023. Collection method: clinical testing. Allele origin: germline. Not counted in ClinVar's aggregate classification.
Comment: The c.7602delG pathogenic mutation, located in coding exon 14 of the BRCA2 gene, results from a deletion of one nucleotide at nucleotide position 7602, causing a translational frameshift with a predicted alternate stop codon (p.C2535Vfs*16). This alteration is expected to result in loss of function by premature protein truncation or nonsense-mediated mRNA decay. As such, this alteration is interpreted as a disease-causing mutation.

Literature cited by the submitters: PubMed 20104584 (cited by Labcorp Genetics (formerly Invitae), Labcorp).

NM_000059.4(BRCA2):c.7602del (p.Cys2535fs)

Gene: BRCA2 (BRCA2 DNA repair associated; plus strand). Cytogenetic location: 13q13.1.
Variant type: Deletion.
Coding change: c.7602del on transcript NM_000059.4 (MANE Select); coding-DNA position 7602, one base deleted (G; older notation c.7602delG).
Protein change: p.Cys2535fs; shifts the reading frame from cysteine 2535.
Molecular consequence: frameshift variant.
Genome position (GRCh38, 1-based): chr13:32,356,594, G deleted. VCF-style (leftmost placement, unchanged base first): chr13-32356593-CG-C. GRCh37 (hg19) VCF-style: chr13-32930730-CG-C.
Other names: c.7602delG (NM_000059.3); short protein forms C2535fs.
Identifiers: ClinVar variation 230259 (VCV000230259.12), dbSNP rs876658470, ClinGen allele CA10579745.